The following is an entry in ClinVar:

NM_005004.4(NDUFB8):c.469-649G>A

Gene: NDUFB8 (NADH:ubiquinone oxidoreductase subunit B8; minus strand). Cytogenetic location: 10q24.31.
Variant type: single nucleotide variant.
Coding change: c.469-649G>A on transcript NM_005004.4 (MANE Select); 649 bases into the intron before coding-DNA position 469, G replaced by A.
Molecular consequence: intron variant.
Genome position (GRCh38, 1-based): chr10:100,524,578, C>T on the plus strand (G>A on the coding strand, the complement: NDUFB8 is on the minus strand). VCF-style: chr10-100524578-C-T. GRCh37 (hg19) VCF-style: chr10-102284335-C-T.
Other names: c.376-649G>A (NM_001284368.1); c.469-439G>A (NM_001284367.2).
Identifiers: ClinVar variation 4056644 (VCV004056644.1).

ClinVar aggregate classification (germline): Uncertain significance (1 of 4 stars; one submission).

Conditions:
Mitochondrial complex I deficiency, nuclear type 32. Also called: Mitochondrial complex 1 deficiency, nuclear type 32. Identifiers: MedGen C4748839, MONDO:0032635, OMIM 618252.

Submission:

Laboratorio de Genetica e Diagnostico Molecular, Hospital Israelita Albert Einstein
Classification: Uncertain significance for Mitochondrial complex I deficiency, nuclear type 32. Last evaluated: 2024-08-06. Review status: criteria provided, single submitter. Criteria: ACMG Guidelines, 2015. Collection method: clinical testing. Allele origin: germline. Affected: yes.
Comment: ACMG classification criteria: PM2 supporting, BP4 supporting